The following is an entry in ClinVar:

NM_001029883.3(PCARE):c.458C>T (p.Thr153Met)

Gene: PCARE (photoreceptor cilium actin regulator; minus strand). Cytogenetic location: 2p23.2.
Variant type: single nucleotide variant.
Coding change: c.458C>T on transcript NM_001029883.3 (MANE Select); coding-DNA position 458, C replaced by T.
Protein change: p.Thr153Met; replaces threonine 153 with methionine.
Molecular consequence: missense variant.
Genome position (GRCh38, 1-based): chr2:29,073,804, G>A on the plus strand (C>T on the coding strand, the complement: PCARE is on the minus strand). VCF-style: chr2-29073804-G-A. GRCh37 (hg19) VCF-style: chr2-29296670-G-A.
Other names: short protein forms T153M.
Identifiers: ClinVar variation 860654 (VCV000860654.7), dbSNP rs778162481, ClinGen allele CA1592647.

ClinVar aggregate classification (germline): Conflicting classifications of pathogenicity. Review status: criteria provided, conflicting classifications (1 of 4 stars). 2 submissions from 2 submitters: Uncertain significance (1); Likely benign (1). Last evaluated 2024-11-04.

Allele frequency attached by ClinVar (database versions not stated): gnomAD 0.00001 and 0.00002; TOPMed 0.00006.
gnomAD v4.1: 80 of 1,614,166 alleles (0.005%); highest among the groups gnomAD compares: Admixed American, 0.037%; 1 homozygote.

Submissions (2):

Labcorp Genetics (formerly Invitae), Labcorp
Classification: Uncertain significance. Last evaluated: 2024-11-04. Review status: criteria provided, single submitter. Criteria: Invitae Variant Classification Sherloc (09022015). Collection method: clinical testing. Allele origin: germline.
Comment: This sequence change replaces threonine, which is neutral and polar, with methionine, which is neutral and non-polar, at codon 153 of the PCARE protein (p.Thr153Met). This variant is present in population databases (rs778162481, gnomAD 0.05%). This variant has not been reported in the literature in individuals affected with PCARE-related conditions. ClinVar contains an entry for this variant (Variation ID: 860654). An algorithm developed to predict the effect of missense changes on protein structure and function (PolyPhen-2) suggests that this variant¬†is likely to be tolerated. In summary, the available evidence is currently insufficient to determine the role of this variant in disease. Therefore, it has been classified as a Variant of Uncertain Significance.

Blueprint Genetics
Classification: Likely benign. Last evaluated: 2022-10-26. Review status: criteria provided, single submitter. Criteria: ACMG Guidelines, 2015. Collection method: clinical testing. Allele origin: germline.